The following is an entry in ClinVar:

ClinVar aggregate classification (germline): Uncertain significance. Review status: criteria provided, single submitter (1 of 4 stars). 2 submissions from 2 submitters: Uncertain significance (1). 1 of the submissions does not count toward it. Last evaluated 2024-04-02.

Conditions:
POMC-related disorder. Also called: POMC-related condition; POMC-related disorders.

Allele frequency attached by ClinVar (database versions not stated): TOPMed below 0.00001; ExAC 0.00002; gnomAD 0.00002; gnomAD exomes 0.00003.
gnomAD v4.1: 45 of 1,613,830 alleles (0.0028%); highest among the groups gnomAD compares: Non-Finnish European, 0.0035%; 1 homozygote.

Submissions (2):

Labcorp Genetics (formerly Invitae), Labcorp
Classification: Uncertain significance. Last evaluated: 2024-04-02. Review status: criteria provided, single submitter. Criteria: Invitae Variant Classification Sherloc (09022015). Collection method: clinical testing. Allele origin: germline.
Comment: This sequence change affects codon 265 of the POMC mRNA. It is a 'silent' change, meaning that it does not change the encoded amino acid sequence of the POMC protein. This variant is present in population databases (rs777772852, gnomAD 0.005%). This variant has not been reported in the literature in individuals affected with POMC-related conditions. Algorithms developed to predict the effect of sequence changes on RNA splicing suggest that this variant may create or strengthen a splice site. In summary, the available evidence is currently insufficient to determine the role of this variant in disease. Therefore, it has been classified as a Variant of Uncertain Significance.

PreventionGenetics, part of Exact Sciences
Classification: Likely benign for POMC-related condition. Last evaluated: 2021-02-17. Review status: no assertion criteria provided. Collection method: clinical testing. Allele origin: germline. Not counted in ClinVar's aggregate classification.
Comment: This variant is classified as likely benign based on ACMG/AMP sequence variant interpretation guidelines (Richards et al. 2015 PMID: 25741868, with internal and published modifications).

NM_000939.4(POMC):c.795G>A (p.Lys265=)

Gene: POMC (proopiomelanocortin; minus strand). Cytogenetic location: 2p23.3.
Variant type: single nucleotide variant.
Coding change: c.795G>A on transcript NM_000939.4 (MANE Select); coding-DNA position 795, G replaced by A.
Protein change: p.Lys265=; no amino-acid change (lysine 265 retained).
Molecular consequence: synonymous variant.
Genome position (GRCh38, 1-based): chr2:25,161,090, C>T on the plus strand (G>A on the coding strand, the complement: POMC is on the minus strand). VCF-style: chr2-25161090-C-T. GRCh37 (hg19) VCF-style: chr2-25383959-C-T.
Other names: c.795G>A, p.Lys265= (NM_001035256.3, NM_001319204.2, NM_001319205.2).
Identifiers: ClinVar variation 3030401 (VCV003030401.4), dbSNP rs777772852, ClinGen allele CA1555213.